The following is an entry in ClinVar:

NM_016525.5(UBAP1):c.535G>T (p.Glu179Ter)

Gene: UBAP1 (ubiquitin associated protein 1; plus strand). Cytogenetic location: 9p13.3.
Variant type: single nucleotide variant.
Coding change: c.535G>T on transcript NM_016525.5 (MANE Select); coding-DNA position 535, G replaced by T.
Protein change: p.Glu179Ter; replaces glutamic acid 179 with a stop codon.
Molecular consequence: nonsense. On other transcripts: non-coding transcript variant (1).
Genome position (GRCh38, 1-based): chr9:34,241,560, G>T. VCF-style: chr9-34241560-G-T. GRCh37 (hg19) VCF-style: chr9-34241558-G-T.
Other names: c.727G>T, p.Glu243Ter (NM_001171201.1); c.643G>T, p.Glu215Ter (NM_001171202.1); c.535G>T, p.Glu179Ter (NM_001171203.3, NM_001171204.3); short protein forms E243*, E179*, E215*.
Identifiers: ClinVar variation 932242 (VCV000932242.4), dbSNP rs1833955862, ClinGen allele CA373247607.

ClinVar aggregate classification (germline): Pathogenic. Review status: criteria provided, single submitter (1 of 4 stars). 3 submissions from 3 submitters: Pathogenic (1). 2 of the submissions do not count toward it. Last evaluated 2024-05-02.

Conditions:
Spastic paraplegia 80, autosomal dominant. Identifiers: Orphanet 631068, MedGen C5193084, MONDO:0032737, OMIM 618418.

Submissions (3):

Dasa
Classification: Pathogenic. Last evaluated: 2024-05-02. Review status: criteria provided, single submitter. Criteria: DASA Assertion Criteria. Collection method: clinical testing. Allele origin: germline.
Comment: NM_016525.5(UBAP1):c.535G>T (p.Glu179*) introduces a premature termination codon predicted to result in loss of normal protein function. Loss-of-function is an established mechanism of disease for this gene. Based on the available data, this variant is classified as pathogenic.

The William Harvey Research Institute, Queen Mary University
Classification: Pathogenic for Spastic paraplegia 80, autosomal dominant. Last evaluated: 2020-05-17. Review status: no assertion criteria provided. Collection method: research. Allele origin: germline. Affected: yes. Observed: 10 variant alleles. Not counted in ClinVar's aggregate classification.

Genomics England Pilot Project, Genomics England
Classification: Likely pathogenic for Spastic paraplegia 80, autosomal dominant. Review status: no assertion criteria provided. Criteria: ACGS Guidelines, 2016. Collection method: clinical testing. Allele origin: germline. Affected: yes. Not counted in ClinVar's aggregate classification.